The following is an entry in ClinVar:

NM_001958.5(EEF1A2):c.561C>T (p.Thr187=)

Genes: EEF1A2 (eukaryotic translation elongation factor 1 alpha 2; minus strand), LOC132090595 (Neanderthal introgressed variant-containing enhancer experimental_60987; plus strand). Cytogenetic location: 20q13.33.
Variant type: single nucleotide variant.
Coding change: c.561C>T on transcript NM_001958.5 (MANE Select); coding-DNA position 561, C replaced by T.
Protein change: p.Thr187=; no amino-acid change (threonine 187 retained).
Molecular consequence: synonymous variant.
Genome position (GRCh38, 1-based): chr20:63,494,865, G>A on the plus strand (C>T on the coding strand, the complement: EEF1A2 is on the minus strand). VCF-style: chr20-63494865-G-A. GRCh37 (hg19) VCF-style: chr20-62126218-G-A.
Identifiers: ClinVar variation 506414 (VCV000506414.41), dbSNP rs376891760, ClinGen allele CA9959077.

ClinVar aggregate classification (germline): Benign/Likely benign. Review status: criteria provided, multiple submitters, no conflicts (2 of 4 stars). 4 submissions from 4 submitters: Benign (3); Likely benign (1). Last evaluated 2025-12-28.

Conditions:
Inborn genetic diseases. Identifiers: MedGen C0950123, MeSH D030342.
Developmental and epileptic encephalopathy, 33 (DEE33). Also called: Epileptic encephalopathy, early infantile, 33. Identifiers: Orphanet 442835, MedGen C4225337, MONDO:0014625, OMIM 616409.

Allele frequency attached by ClinVar (database versions not stated): gnomAD 0.00006 and 0.00019; ESP Exome Variant Server 0.00008; TOPMed 0.00008; gnomAD exomes 0.00042 and 0.00083; 1000 Genomes Project 30x 0.00078; ExAC 0.00095; 1000 Genomes Project 0.00100.
gnomAD v4.1: 649 of 1,612,702 alleles (0.04%); highest among the groups gnomAD compares: South Asian, 0.63%; 13 homozygotes.

Submissions (4):

Labcorp Genetics (formerly Invitae), Labcorp
Classification: Benign for Developmental and epileptic encephalopathy, 33. Last evaluated: 2025-12-28. Review status: criteria provided, single submitter. Criteria: Invitae Variant Classification Sherloc (09022015). Collection method: clinical testing. Allele origin: germline.

CeGaT Center for Human Genetics Tuebingen
Classification: Benign. Last evaluated: 2025-05-01. Review status: criteria provided, single submitter. Criteria: CeGaT Center For Human Genetics Tuebingen Variant Classification Criteria Version 2. Collection method: clinical testing. Allele origin: germline. Affected: yes. Observed: 3 variant alleles.
Comment: EEF1A2: BP4, BP7, BS1, BS2

GeneDx
Classification: Benign. Last evaluated: 2017-09-01. Review status: criteria provided, single submitter. Criteria: GeneDx Variant Classification (06012015). Collection method: clinical testing. Allele origin: germline. Affected: yes.
Comment: This variant is considered likely benign or benign based on one or more of the following criteria: it is a conservative change, it occurs at a poorly conserved position in the protein, it is predicted to be benign by multiple in silico algorithms, and/or has population frequency not consistent with disease.

Ambry Genetics
Classification: Likely benign for Inborn genetic diseases. Last evaluated: 2017-04-27. Review status: criteria provided, single submitter. Criteria: Ambry Variant Classification Scheme 2023. Collection method: clinical testing. Allele origin: germline.